The following is an entry in ClinVar:

ClinVar aggregate classification (germline): Uncertain significance (1 of 4 stars; one submission).

Conditions:
Spastic paraplegia. Identifiers: MedGen C0037772, HP:0001258.

gnomAD v4.1: 17 of 1,613,626 alleles (0.0011%); highest among the groups gnomAD compares: Non-Finnish European, 0.0014%; no homozygotes.

Submission:

Labcorp Genetics (formerly Invitae), Labcorp
Classification: Uncertain significance for Spastic paraplegia. Last evaluated: 2025-08-12. Review status: criteria provided, single submitter. Criteria: Invitae Variant Classification Sherloc (09022015). Collection method: clinical testing. Allele origin: germline.
Comment: This sequence change replaces aspartic acid, which is acidic and polar, with valine, which is neutral and non-polar, at codon 367 of the AP4E1 protein (p.Asp367Val). This variant is present in population databases (rs772925578, gnomAD 0.002%). This variant has not been reported in the literature in individuals affected with AP4E1-related conditions. An algorithm developed to predict the effect of missense changes on protein structure and function (PolyPhen-2) suggests that this variant is likely to be disruptive. Algorithms developed to predict the effect of sequence changes on RNA splicing suggest that this variant may create or strengthen a splice site. In summary, the available evidence is currently insufficient to determine the role of this variant in disease. Therefore, it has been classified as a Variant of Uncertain Significance.

NM_007347.5(AP4E1):c.1100A>T (p.Asp367Val)

Gene: AP4E1 (adaptor related protein complex 4 subunit epsilon 1; plus strand). Cytogenetic location: 15q21.2.
Variant type: single nucleotide variant.
Coding change: c.1100A>T on transcript NM_007347.5 (MANE Select); coding-DNA position 1100, A replaced by T.
Protein change: p.Asp367Val; replaces aspartic acid 367 with valine.
Molecular consequence: missense variant.
Genome position (GRCh38, 1-based): chr15:50,941,699, A>T. VCF-style: chr15-50941699-A-T. GRCh37 (hg19) VCF-style: chr15-51233896-A-T.
Other names: c.875A>T, p.Asp292Val (NM_001252127.2); short protein forms D292V, D367V.
Identifiers: ClinVar variation 4763487 (VCV004763487.1).